The following is an entry in ClinVar:

ClinVar aggregate classification (germline): Uncertain significance. Review status: criteria provided, multiple submitters, no conflicts (2 of 4 stars). 2 submissions from 2 submitters: Uncertain significance (2). Last evaluated 2024-01-31.

Conditions:
Inborn genetic diseases. Identifiers: MedGen C0950123, MeSH D030342.

Allele frequency attached by ClinVar (database versions not stated): gnomAD 0.00001; TOPMed below 0.00001; gnomAD exomes below 0.00001.
gnomAD v4.1: 5 of 1,613,750 alleles (0.00031%); highest among the groups gnomAD compares: Non-Finnish European, 0.00042%; no homozygotes.

Submissions (2):

Ambry Genetics
Classification: Uncertain significance for Inborn genetic diseases. Last evaluated: 2024-01-31. Review status: criteria provided, single submitter. Criteria: Ambry Variant Classification Scheme 2023. Collection method: clinical testing. Allele origin: germline.

Labcorp Genetics (formerly Invitae), Labcorp
Classification: Uncertain significance. Last evaluated: 2023-12-18. Review status: criteria provided, single submitter. Criteria: Invitae Variant Classification Sherloc (09022015). Collection method: clinical testing. Allele origin: germline.
Comment: This sequence change replaces asparagine, which is neutral and polar, with aspartic acid, which is acidic and polar, at codon 322 of the NEDD4L protein (p.Asn322Asp). This variant is present in population databases (no rsID available, gnomAD 0.0009%). This variant has not been reported in the literature in individuals affected with NEDD4L-related conditions. ClinVar contains an entry for this variant (Variation ID: 2040188). An algorithm developed to predict the effect of missense changes on protein structure and function (PolyPhen-2) suggests that this variant is likely to be tolerated. In summary, the available evidence is currently insufficient to determine the role of this variant in disease. Therefore, it has been classified as a Variant of Uncertain Significance.

NM_001144967.3(NEDD4L):c.964A>G (p.Asn322Asp)

Gene: NEDD4L (NEDD4 like E3 ubiquitin protein ligase; plus strand). Cytogenetic location: 18q21.31.
Variant type: single nucleotide variant.
Coding change: c.964A>G on transcript NM_001144967.3 (MANE Select); coding-DNA position 964, A replaced by G.
Protein change: p.Asn322Asp; replaces asparagine 322 with aspartic acid.
Molecular consequence: missense variant.
Genome position (GRCh38, 1-based): chr18:58,330,888, A>G. VCF-style: chr18-58330888-A-G. GRCh37 (hg19) VCF-style: chr18-55998120-A-G.
Other names: c.601A>G, p.Asn201Asp (NM_001144964.1, NM_001144965.2, NM_001144966.3 and 2 more transcripts); c.940A>G, p.Asn314Asp (NM_001144968.2, NM_001144969.2); c.964A>G, p.Asn322Asp (NM_001243960.2, NM_015277.6); c.964A>G (NM_015277.5); short protein forms N314D, N322D, N201D.
Identifiers: ClinVar variation 2040188 (VCV002040188.5), dbSNP rs1281622732, ClinGen allele CA402555899.
Genomic context (GRCh38, chr18:58,330,888, plus strand): 5'-ACCAGCCCTCAGGAGCTGTCAGAGGAACTAAGCAGAAGGCTTCAGATCACTCCAGACTCC[A>G]ATGGGGAACAGTTCAGCTCTTTGATTGTAAGTAGTGGCCTTGTTTGAAAGAAAAGCTGAG-3'
Protein context (NP_001138439.1, residues 312-332): SRRLQITPDS[Asn322Asp]GEQFSSLIQR